The following is an entry in ClinVar:

NM_003128.3(SPTBN1):c.2034C>A (p.Ser678Arg)

Gene: SPTBN1 (spectrin beta, non-erythrocytic 1; plus strand). Cytogenetic location: 2p16.2.
Variant type: single nucleotide variant.
Coding change: c.2034C>A on transcript NM_003128.3 (MANE Select); coding-DNA position 2034, C replaced by A.
Protein change: p.Ser678Arg; replaces serine 678 with arginine.
Molecular consequence: missense variant.
Genome position (GRCh38, 1-based): chr2:54,629,168, C>A. VCF-style: chr2-54629168-C-A. GRCh37 (hg19) VCF-style: chr2-54856305-C-A.
Other names: c.1995C>A, p.Ser665Arg (NM_178313.3); short protein forms S665R, S678R.
Identifiers: ClinVar variation 3339404 (VCV003339404.9).

ClinVar aggregate classification (germline): Uncertain significance. Review status: criteria provided, multiple submitters, no conflicts (2 of 4 stars). 2 submissions from 2 submitters: Uncertain significance (2). Last evaluated 2025-07-01.

Submissions (2):

CeGaT Center for Human Genetics Tuebingen
Classification: Uncertain significance. Last evaluated: 2025-07-01. Review status: criteria provided, single submitter. Criteria: CeGaT Center For Human Genetics Tuebingen Variant Classification Criteria Version 2. Collection method: clinical testing. Allele origin: germline. Affected: yes. Observed: 1 variant allele.
Comment: SPTBN1: PM2

Women's Health and Genetics/Laboratory Corporation of America, LabCorp
Classification: Uncertain significance. Last evaluated: 2024-07-22. Review status: criteria provided, single submitter. Criteria: LabCorp Variant Classification Summary - May 2015. Collection method: clinical testing. Allele origin: germline.
Comment: Variant summary: SPTBN1 c.2034C>A (p.Ser678Arg) results in a non-conservative amino acid change in the encoded protein sequence. Three of five in-silico tools predict a benign effect of the variant on protein function. The frequency data for this variant in gnomAD is considered unreliable, as metrics indicate poor data quality at this position. To our knowledge, no occurrence of c.2034C>A in individuals affected with Developmental Delay, Impaired Speech, And Behavioral Abnormalities and no experimental evidence demonstrating its impact on protein function have been reported. No submitters have cited clinical-significance assessments for this variant to ClinVar. Based on the evidence outlined above, the variant was classified as uncertain significance.